The following is an entry in ClinVar:

NM_020999.4(NEUROG3):c.425C>A (p.Ala142Glu)

Gene: NEUROG3 (neurogenin 3; minus strand). Cytogenetic location: 10q22.1.
Variant type: single nucleotide variant.
Coding change: c.425C>A on transcript NM_020999.4 (MANE Select); coding-DNA position 425, C replaced by A.
Protein change: p.Ala142Glu; replaces alanine 142 with glutamic acid.
Molecular consequence: missense variant.
Genome position (GRCh38, 1-based): chr10:69,572,619, G>T on the plus strand (C>A on the coding strand, the complement: NEUROG3 is on the minus strand). VCF-style: chr10-69572619-G-T. GRCh37 (hg19) VCF-style: chr10-71332375-G-T.
Other names: short protein forms A142E.
Identifiers: ClinVar variation 1716520 (VCV001716520.3), dbSNP rs1382965142, ClinGen allele CA376922012.

ClinVar aggregate classification (germline): Uncertain significance (1 of 4 stars; one submission).

Allele frequency attached by ClinVar (database versions not stated): gnomAD 0.00001; TOPMed 0.00001.

Submission:

Labcorp Genetics (formerly Invitae), Labcorp
Classification: Uncertain significance. Last evaluated: 2022-08-16. Review status: criteria provided, single submitter. Criteria: Invitae Variant Classification Sherloc (09022015). Collection method: clinical testing. Allele origin: germline.
Comment: This sequence change replaces alanine, which is neutral and non-polar, with glutamic acid, which is acidic and polar, at codon 142 of the NEUROG3 protein (p.Ala142Glu). This variant is present in population databases (no rsID available, gnomAD 0.007%). This variant has not been reported in the literature in individuals affected with NEUROG3-related conditions. Algorithms developed to predict the effect of missense changes on protein structure and function are either unavailable or do not agree on the potential impact of this missense change (SIFT: "Tolerated"; PolyPhen-2: "Possibly Damaging"; Align-GVGD: "Class C0"). In summary, the available evidence is currently insufficient to determine the role of this variant in disease. Therefore, it has been classified as a Variant of Uncertain Significance.